The following is an entry in ClinVar:

ClinVar aggregate classification (germline): Likely benign (0 of 4 stars; one submission).

Conditions:
BBS10-related disorder. Also called: BBS10-related condition.

gnomAD v4.1: 20 of 1,574,030 alleles (0.0013%); highest among the groups gnomAD compares: Non-Finnish European, 0.0014%; no homozygotes.

Submission:

PreventionGenetics, part of Exact Sciences
Classification: Likely benign for BBS10-related condition. Last evaluated: 2024-09-03. Review status: no assertion criteria provided. Collection method: clinical testing. Allele origin: germline.
Comment: This variant is classified as likely benign based on ACMG/AMP sequence variant interpretation guidelines (Richards et al. 2015 PMID: 25741868, with internal and published modifications).

NM_024685.4(BBS10):c.-6C>T

Gene: BBS10 (Bardet-Biedl syndrome 10; minus strand). Cytogenetic location: 12q21.2.
Variant type: single nucleotide variant.
Coding change: c.-6C>T on transcript NM_024685.4 (MANE Select); 6 bases upstream of the start codon, C replaced by T.
Molecular consequence: 5 prime UTR variant.
Genome position (GRCh38, 1-based): chr12:76,348,364, G>A on the plus strand (C>T on the coding strand, the complement: BBS10 is on the minus strand). VCF-style: chr12-76348364-G-A. GRCh37 (hg19) VCF-style: chr12-76742144-G-A.
Identifiers: ClinVar variation 3352185 (VCV003352185.1).